The following is an entry in ClinVar:

NM_007294.4(BRCA1):c.442-28C>T

Gene: BRCA1 (BRCA1 DNA repair associated; minus strand). Cytogenetic location: 17q21.31.
Variant type: single nucleotide variant.
Coding change: c.442-28C>T on transcript NM_007294.4 (MANE Select); 28 bases into the intron before coding-DNA position 442, C replaced by T.
Molecular consequence: intron variant.
Genome position (GRCh38, 1-based): chr17:43,099,908, G>A on the plus strand (C>T on the coding strand, the complement: BRCA1 is on the minus strand). VCF-style: chr17-43099908-G-A. GRCh37 (hg19) VCF-style: chr17-41251925-G-A.
Other names: c.301-28C>T (NM_001408458.1, NM_001407922.1, NM_001408469.1 and 61 more transcripts); c.-218-5048C>T (NM_001407967.1, NM_001407966.1); c.61-28C>T (NM_001407959.1, NM_001408512.1, NM_001408510.1 and 3 more transcripts); c.301-31C>T (NM_001407931.1, NM_001407747.1, NM_001408470.1 and 35 more transcripts); c.61-31C>T (NM_001407962.1); c.232-28C>T (NM_001407885.1, NM_001407886.1, NM_001407881.1 and 37 more transcripts); c.442-31C>T (NM_001407686.1, NM_001408397.1, NM_001407632.1 and 65 more transcripts); c.442-28C>T (NM_001408436.1, NM_001407665.1, NM_001407980.1 and 96 more transcripts); and 5 more.
Identifiers: ClinVar variation 3346057 (VCV003346057.1).

ClinVar aggregate classification (germline): Likely benign (0 of 4 stars; one submission).

Conditions:
BRCA1-related disorder. Also called: BRCA1-related condition.

Submission:

PreventionGenetics, part of Exact Sciences
Classification: Likely benign for BRCA1-related condition. Last evaluated: 2024-09-18. Review status: no assertion criteria provided. Collection method: clinical testing. Allele origin: germline.
Comment: This variant is classified as likely benign based on ACMG/AMP sequence variant interpretation guidelines (Richards et al. 2015 PMID: 25741868, with internal and published modifications).